The following is an entry in ClinVar:

NM_014317.5(PDSS1):c.634C>T (p.Leu212Phe)

Gene: PDSS1 (decaprenyl diphosphate synthase subunit 1; plus strand). Cytogenetic location: 10p12.1.
Variant type: single nucleotide variant.
Coding change: c.634C>T on transcript NM_014317.5 (MANE Select); coding-DNA position 634, C replaced by T.
Protein change: p.Leu212Phe; replaces leucine 212 with phenylalanine.
Molecular consequence: missense variant.
Genome position (GRCh38, 1-based): chr10:26,723,830, C>T. VCF-style: chr10-26723830-C-T. GRCh37 (hg19) VCF-style: chr10-27012759-C-T.
Other names: c.634C>T, p.Leu212Phe (NM_001321978.2); c.124C>T, p.Leu42Phe (NM_001321979.2); short protein forms L212F, L42F.
Identifiers: ClinVar variation 4072699 (VCV004072699.1).

ClinVar aggregate classification (germline): Uncertain significance (1 of 4 stars; one submission).

gnomAD v4.1: 5 of 1,612,274 alleles (0.00031%); highest among the groups gnomAD compares: Non-Finnish European, 0.00042%; no homozygotes.

Submission:

GeneDx
Classification: Uncertain significance. Last evaluated: 2025-01-31. Review status: criteria provided, single submitter. Criteria: GeneDx Variant Classification Process June 2021. Collection method: clinical testing. Allele origin: germline. Affected: yes.
Comment: Not observed at significant frequency in large population cohorts (gnomAD); In silico analysis supports that this missense variant has a deleterious effect on protein structure/function; Has not been previously published as pathogenic or benign to our knowledge